The following is an entry in ClinVar:

ClinVar aggregate classification (germline): Uncertain significance (1 of 4 stars; one submission).

Conditions:
Glycogen storage disease IXd (GSD9D). Also called: GSD IXd; Muscle Phosphorylase Kinase Deficiency. Identifiers: Orphanet 715, MedGen C1845151, MONDO:0010362, OMIM 300559.

Allele frequency attached by ClinVar (database versions not stated): gnomAD exomes 0.00001; gnomAD 0.00002; ExAC 0.00005.
gnomAD v4.1: 14 of 1,193,543 alleles (0.0012%); highest among the groups gnomAD compares: Non-Finnish European, 0.0014%; no homozygotes.

Submission:

Labcorp Genetics (formerly Invitae), Labcorp
Classification: Uncertain significance for Glycogen storage disease IXd. Last evaluated: 2024-09-22. Review status: criteria provided, single submitter. Criteria: Invitae Variant Classification Sherloc (09022015). Collection method: clinical testing. Allele origin: germline.
Comment: This sequence change replaces threonine, which is neutral and polar, with alanine, which is neutral and non-polar, at codon 1174 of the PHKA1 protein (p.Thr1174Ala). This variant is present in population databases (rs781811754, gnomAD 0.008%). This variant has not been reported in the literature in individuals affected with PHKA1-related conditions. An algorithm developed to predict the effect of missense changes on protein structure and function (PolyPhen-2) suggests that this variant is likely to be tolerated. In summary, the available evidence is currently insufficient to determine the role of this variant in disease. Therefore, it has been classified as a Variant of Uncertain Significance.

NM_002637.4(PHKA1):c.3520A>G (p.Thr1174Ala)

Gene: PHKA1 (phosphorylase kinase regulatory subunit alpha 1; minus strand). Cytogenetic location: Xq13.1.
Variant type: single nucleotide variant.
Coding change: c.3520A>G on transcript NM_002637.4 (MANE Select); coding-DNA position 3520, A replaced by G.
Protein change: p.Thr1174Ala; replaces threonine 1174 with alanine.
Molecular consequence: missense variant.
Genome position (GRCh38, 1-based): chrX:72,581,154, T>C on the plus strand (A>G on the coding strand, the complement: PHKA1 is on the minus strand). VCF-style: chrX-72581154-T-C. GRCh37 (hg19) VCF-style: chrX-71801004-T-C.
Other names: c.3481A>G, p.Thr1161Ala (NM_001122670.2); c.3304A>G, p.Thr1102Ala (NM_001172436.2); short protein forms T1161A, T1102A, T1174A.
Identifiers: ClinVar variation 2904020 (VCV002904020.3), dbSNP rs781811754, ClinGen allele CA10450441.